The following is an entry in ClinVar:

ClinVar aggregate classification (germline): Uncertain significance (1 of 4 stars; one submission).

gnomAD v4.1: 1 of 1,613,936 alleles (0.000062%); highest among the groups gnomAD compares: Non-Finnish European, 0.000085%; no homozygotes.

Submission:

Labcorp Genetics (formerly Invitae), Labcorp
Classification: Uncertain significance. Last evaluated: 2024-11-13. Review status: criteria provided, single submitter. Criteria: Invitae Variant Classification Sherloc (09022015). Collection method: clinical testing. Allele origin: germline.
Comment: This sequence change replaces arginine, which is basic and polar, with glutamine, which is neutral and polar, at codon 634 of the FBXO11 protein (p.Arg634Gln). This variant is not present in population databases (gnomAD no frequency). This variant has not been reported in the literature in individuals affected with FBXO11-related conditions. An algorithm developed to predict the effect of missense changes on protein structure and function (PolyPhen-2) suggests that this variant is likely to be disruptive. In summary, the available evidence is currently insufficient to determine the role of this variant in disease. Therefore, it has been classified as a Variant of Uncertain Significance.

NM_001190274.2(FBXO11):c.1901G>A (p.Arg634Gln)

Gene: FBXO11 (F-box protein 11; minus strand). Cytogenetic location: 2p16.3.
Variant type: single nucleotide variant.
Coding change: c.1901G>A on transcript NM_001190274.2 (MANE Select); coding-DNA position 1901, G replaced by A.
Protein change: p.Arg634Gln; replaces arginine 634 with glutamine.
Molecular consequence: missense variant.
Genome position (GRCh38, 1-based): chr2:47,818,975, C>T on the plus strand (G>A on the coding strand, the complement: FBXO11 is on the minus strand). VCF-style: chr2-47818975-C-T. GRCh37 (hg19) VCF-style: chr2-48046114-C-T.
Other names: c.1649G>A, p.Arg550Gln (NM_001374325.1, NM_025133.4); short protein forms R634Q, R550Q.
Identifiers: ClinVar variation 3711695 (VCV003711695.2).
Genomic context (GRCh38, chr2:47,818,975, plus strand): 5'-AAACAATGTATTTCCCATCCAAGAGTCCAGGCTAATCCTACCTGCTTGCCACTGTGTATC[C>T]GGTTTCTTCTCAGTACTGGAGTGCTGCCAGTTGTCACCCAGACTCCAGCTAGAGTGTTAC-3'
Protein context (NP_001177203.1, residues 624-644): TGSTPVLRRN[Arg634Gln]IHSGKQVGVY